The following is an entry in ClinVar:

NC_000008.10:g.(?_100146840)_(100403952_?)del

Gene: VPS13B (vacuolar protein sorting 13 homolog B; plus strand). Cytogenetic location: 8q22.2.
Variant type: Deletion.
Identifiers: ClinVar variation 3245467 (VCV003245467.1).

ClinVar aggregate classification (germline): Pathogenic (1 of 4 stars; one submission).

Conditions:
Cohen syndrome (COH1). Also called: Cutis verticis gyrata, retinitis pigmentosa, and sensorineural deafness; PEPPER SYNDROME. Identifiers: Orphanet 193, MedGen C0265223, MONDO:0008999, OMIM 216550.

Submission:

Labcorp Genetics (formerly Invitae), Labcorp
Classification: Pathogenic for Cohen syndrome. Last evaluated: 2023-02-08. Review status: criteria provided, single submitter. Criteria: Invitae Variant Classification Sherloc (09022015). Collection method: clinical testing. Allele origin: unknown.
Comment: This variant is a gross deletion of the genomic region encompassing exon(s) 9-21 of the VPS13B gene. This deletion is out-of-frame, and is expected to create a premature termination codon and result in an absent or disrupted protein product. Loss-of-function variants in VPS13B are known to be pathogenic (PMID: 15141358, 16648375, 20461111). This variant has not been reported in the literature in individuals affected with VPS13B-related conditions. For these reasons, this variant has been classified as Pathogenic.

Literature cited by the submitters: PubMed 15141358; PubMed 16648375; PubMed 20461111.